The following is an entry in ClinVar:

ClinVar aggregate classification (germline): Uncertain significance (1 of 4 stars; one submission).

Allele frequency attached by ClinVar (database versions not stated): gnomAD exomes below 0.00001.
gnomAD v4.1: 2 of 1,614,096 alleles (0.00012%); highest among the groups gnomAD compares: South Asian, 0.0011%; no homozygotes.

Submission:

Labcorp Genetics (formerly Invitae), Labcorp
Classification: Uncertain significance. Last evaluated: 2022-12-30. Review status: criteria provided, single submitter. Criteria: Invitae Variant Classification Sherloc (09022015). Collection method: clinical testing. Allele origin: germline.
Comment: In summary, the available evidence is currently insufficient to determine the role of this variant in disease. Therefore, it has been classified as a Variant of Uncertain Significance. This sequence change replaces isoleucine, which is neutral and non-polar, with valine, which is neutral and non-polar, at codon 2927 of the DMXL2 protein (p.Ile2927Val). This variant is not present in population databases (gnomAD no frequency). This variant has not been reported in the literature in individuals affected with DMXL2-related conditions. Algorithms developed to predict the effect of missense changes on protein structure and function output the following: SIFT: "Tolerated"; PolyPhen-2: "Benign"; Align-GVGD: "Class C0". The valine amino acid residue is found in multiple mammalian species, which suggests that this missense change does not adversely affect protein function.

NM_001378457.1(DMXL2):c.8842A>G (p.Ile2948Val)

Genes: DMXL2 (Dmx like 2; minus strand), LOC126862131 (MED14-independent group 3 enhancer GRCh37_chr15:51741640-51742839; plus strand). Cytogenetic location: 15q21.2.
Variant type: single nucleotide variant.
Coding change: c.8842A>G on transcript NM_001378457.1 (MANE Select); coding-DNA position 8842, A replaced by G.
Protein change: p.Ile2948Val; replaces isoleucine 2948 with valine.
Molecular consequence: missense variant. On other transcripts: non-coding transcript variant (2).
Genome position (GRCh38, 1-based): chr15:51,450,254, T>C on the plus strand (A>G on the coding strand, the complement: DMXL2 is on the minus strand). VCF-style: chr15-51450254-T-C. GRCh37 (hg19) VCF-style: chr15-51742451-T-C.
Other names: c.8779A>G, p.Ile2927Val (NM_001174116.3); c.6868A>G, p.Ile2290Val (NM_001174117.3); c.8839A>G, p.Ile2947Val (NM_001378458.1); c.8554A>G, p.Ile2852Val (NM_001378459.1); c.6757A>G, p.Ile2253Val (NM_001378460.1); c.8776A>G, p.Ile2926Val (NM_015263.5); short protein forms I2290V, I2852V, I2947V, I2253V, I2926V, I2927V, I2948V.
Identifiers: ClinVar variation 2824950 (VCV002824950.3), dbSNP rs2141176516, ClinGen allele CA392429678.
Genomic context (GRCh38, chr15:51,450,254, plus strand): 5'-TAATAGCTGAGTCATGGGCCTGGAACGTGTGAATGAGCTGCCTTTGCCTGATGTCAAAAA[T>C]GCAGACGTGTCCTTTCCTACCCCCCGAGATTAGGAGTTGCTGTTTGGGTGCATACTGCAG-3'
Protein context (NP_001365386.1, residues 2938-2958): ISGGRKGHVC[Ile2948Val]FDIRQRQLIH